The following is an entry in ClinVar:

NM_000492.4(CFTR):c.94C>A (p.Leu32Met)

Gene: CFTR (CF transmembrane conductance regulator; plus strand). Cytogenetic location: 7q31.2.
Variant type: single nucleotide variant.
Coding change: c.94C>A on transcript NM_000492.4 (MANE Select); coding-DNA position 94, C replaced by A.
Protein change: p.Leu32Met; replaces leucine 32 with methionine.
Molecular consequence: missense variant.
Genome position (GRCh38, 1-based): chr7:117,504,293, C>A. VCF-style: chr7-117504293-C-A. GRCh37 (hg19) VCF-style: chr7-117144347-C-A.
Other names: short protein forms L32M.
Identifiers: ClinVar variation 502597 (VCV000502597.29), dbSNP rs776797377, ClinGen allele CA4450635.
Genomic context (GRCh38, chr7:117,504,293, plus strand): 5'-TCCTCCTCTCTTTATTTTAGCTGGACCAGACCAATTTTGAGGAAAGGATACAGACAGCGC[C>A]TGGAATTGTCAGACATATACCAAATCCCTTCTGTTGATTCTGCTGACAATCTATCTGAAA-3'
Protein context (NP_000483.3, residues 22-42): PILRKGYRQR[Leu32Met]ELSDIYQIPS

ClinVar aggregate classification (germline): Conflicting classifications of pathogenicity. Review status: criteria provided, conflicting classifications (1 of 4 stars). 7 submissions from 7 submitters: Pathogenic (1); Likely pathogenic (1); Uncertain significance (3). 2 of the submissions do not count toward it. Last evaluated 2025-09-17.

Conditions:
Cystic fibrosis (CF). Also called: MUCOVISCIDOSIS. Identifiers: Orphanet 586, MedGen C0010674, MONDO:0009061, OMIM 219700. Disease mechanism: loss of function.

Allele frequency attached by ClinVar (database versions not stated): gnomAD exomes 0.00001; TOPMed below 0.00001; ExAC 0.00001.
gnomAD v4.1: 3 of 1,612,952 alleles (0.00019%); highest among the groups gnomAD compares: South Asian, 0.0022%; no homozygotes.

Submissions (7):

Women's Health and Genetics/Laboratory Corporation of America, LabCorp
Classification: Likely pathogenic for Cystic fibrosis. Last evaluated: 2025-09-17. Review status: criteria provided, single submitter. Criteria: LabCorp Variant Classification Summary - May 2015. Collection method: clinical testing. Allele origin: germline.
Comment: Variant summary: CFTR c.94C>A (p.Leu32Met) results in a conservative amino acid change in the encoded protein sequence. Algorithms developed to predict the effect of missense changes on protein structure and function are either unavailable or do not agree on the potential impact of this missense change. The variant allele was found at a frequency of 8e-06 in 250956 control chromosomes. c.94C>A has been observed in the presumed compound heterozygous state in at least one individual affected with Cystic Fibrosis (example, Prach_2013, Salinas_2016). These data do not allow any conclusion about variant significance. To our knowledge, no experimental evidence demonstrating an impact on protein function has been reported. A different variant affecting the same codon has been determined to be likely pathogenic/pathogenic by our lab (c.95T>C, p.Leu32Pro), supporting the critical relevance of codon 32 to CFTR protein function. The following publications have been ascertained in the context of this evaluation (PMID: 34756682, 26574590, 23810505, 27214204). ClinVar contains an entry for this variant (Variation ID: 502597). Based on the evidence outlined above, the variant was classified as likely pathogenic.

ARUP Laboratories, Molecular Genetics and Genomics, ARUP Laboratories
Classification: Uncertain significance. Last evaluated: 2024-02-12. Review status: criteria provided, single submitter. Criteria: ARUP Molecular Germline Variant Investigation Process 2024. Collection method: clinical testing. Allele origin: germline.
Comment: The CFTR c.94C>A; A different alteration at this codon (p.Leu32Pro) has also been reported in a CF patient who also carried a pathogenic nonsense variant (Liu 2015), but the clinical significance of the p.Leu32Pro variant has not been established. The p.Leu32Met variant is observed in the general population with an overall allele frequency of 0.0008% (2/250,956 alleles) in the Genome Aggregation Database. The leucine at codon 32 is highly conserved and computational algorithms predict that this variant is deleterious (REVEL: 0.708). However, given the limited clinical and functional data regarding p.Leu32Met, its significance is uncertain at this time. References: Liu Y et al. Characterization of gene mutations and phenotypes of cystic fibrosis in Chinese patients. Respirology. 2015 Feb;20(2):312-8. PMID: 25580864 Prach L et al. Novel CFTR variants identified during the first 3 years of cystic fibrosis newborn screening in California. J Mol Diagn. 2013 Sep;15(5):710-22. PMID: 23810505

Labcorp Genetics (formerly Invitae), Labcorp
Classification: Pathogenic for Cystic fibrosis. Last evaluated: 2023-03-28. Review status: criteria provided, single submitter. Criteria: Invitae Variant Classification Sherloc (09022015). Collection method: clinical testing. Allele origin: germline.
Comment: For these reasons, this variant has been classified as Pathogenic. This missense change has been observed in individual(s) with cystic fibrosis (PMID: 23810505, 27214204). In at least one individual the data is consistent with being in trans (on the opposite chromosome) from a pathogenic variant. ClinVar contains an entry for this variant (Variation ID: 502597). Advanced modeling of protein sequence and biophysical properties (such as structural, functional, and spatial information, amino acid conservation, physicochemical variation, residue mobility, and thermodynamic stability) performed at Invitae indicates that this missense variant is expected to disrupt CFTR protein function. This variant disrupts the p.Leu32 amino acid residue in CFTR. Other variant(s) that disrupt this residue have been determined to be pathogenic (PMID: 25580864). This suggests that this residue is clinically significant, and that variants that disrupt this residue are likely to be disease-causing. This variant is present in population databases (rs776797377, gnomAD 0.003%). This sequence change replaces leucine, which is neutral and non-polar, with methionine, which is neutral and non-polar, at codon 32 of the CFTR protein (p.Leu32Met).

Genome-Nilou Lab
Classification: Uncertain significance for Cystic fibrosis. Last evaluated: 2021-09-05. Review status: criteria provided, single submitter. Criteria: ACMG Guidelines, 2015. Collection method: clinical testing. Allele origin: germline. Affected: no.

Eurofins Ntd Llc (ga)
Classification: Uncertain significance. Last evaluated: 2017-06-15. Review status: criteria provided, single submitter. Criteria: EGL Classification Definitions 2015. Collection method: clinical testing. Allele origin: germline. Observed: 2 variant alleles, 2 heterozygotes.

Natera, Inc.
Classification: Uncertain significance for Cystic Fibrosis. Last evaluated: 2020-09-16. Review status: no assertion criteria provided. Collection method: clinical testing. Allele origin: germline. Not counted in ClinVar's aggregate classification.

Counsyl
Classification: Uncertain significance for Cystic fibrosis. Last evaluated: 2017-10-18. Review status: no assertion criteria provided. Collection method: clinical testing. Allele origin: unknown. Not counted in ClinVar's aggregate classification.

Literature cited by the submitters: PubMed 23810505 (cited by 3 submitters); PubMed 26574590 (cited by Women's Health and Genetics/Laboratory Corporation of America, LabCorp and Counsyl); PubMed 27214204 (cited by Women's Health and Genetics/Laboratory Corporation of America, LabCorp and Labcorp Genetics (formerly Invitae), Labcorp); PubMed 34756682 (cited by Women's Health and Genetics/Laboratory Corporation of America, LabCorp); PubMed 25580864 (cited by Labcorp Genetics (formerly Invitae), Labcorp).